The following is an entry in ClinVar:

NC_000019.10:g.39480608G>A

Gene: TIMM50 (translocase of inner mitochondrial membrane 50; plus strand). Cytogenetic location: 19q13.2.
Variant type: single nucleotide variant.
Genome position: GRCh38 VCF-style: chr19-39480608-G-A. GRCh37 (hg19) VCF-style: chr19-39971248-G-A.
Identifiers: ClinVar variation 2416482 (VCV002416482.42), dbSNP rs182488705, ClinGen allele CA9431539.

ClinVar aggregate classification (germline): Uncertain significance (1 of 4 stars; one submission).

Allele frequency attached by ClinVar (database versions not stated): gnomAD 0.00001; gnomAD exomes 0.00001; ExAC 0.00002; TOPMed 0.00003; 1000 Genomes Project 30x 0.00016; 1000 Genomes Project 0.00020.

Submission:

Labcorp Genetics (formerly Invitae), Labcorp
Classification: Uncertain significance. Last evaluated: 2025-01-14. Review status: criteria provided, single submitter. Criteria: Invitae Variant Classification Sherloc (09022015). Collection method: clinical testing. Allele origin: germline.
Comment: This sequence change replaces glycine, which is neutral and non-polar, with serine, which is neutral and polar, at codon 22 of the TIMM50 protein (p.Gly22Ser). This variant is present in population databases (rs182488705, gnomAD 0.04%). This variant has not been reported in the literature in individuals affected with TIMM50-related conditions. ClinVar contains an entry for this variant (Variation ID: 2416482). An algorithm developed to predict the effect of missense changes on protein structure and function outputs the following: PolyPhen-2: "Benign". The serine amino acid residue is found in multiple mammalian species, which suggests that this missense change does not adversely affect protein function. In summary, the available evidence is currently insufficient to determine the role of this variant in disease. Therefore, it has been classified as a Variant of Uncertain Significance.